The following is an entry in ClinVar:

NM_002473.6(MYH9):c.3485+6C>T

Gene: MYH9 (myosin heavy chain 9; minus strand). Cytogenetic location: 22q12.3.
Variant type: single nucleotide variant.
Coding change: c.3485+6C>T on transcript NM_002473.6 (MANE Select); 6 bases into the intron after coding-DNA position 3485, C replaced by T.
Molecular consequence: intron variant.
Genome position (GRCh38, 1-based): chr22:36,295,499, G>A on the plus strand (C>T on the coding strand, the complement: MYH9 is on the minus strand). VCF-style: chr22-36295499-G-A. GRCh37 (hg19) VCF-style: chr22-36691545-G-A.
Identifiers: ClinVar variation 1928181 (VCV001928181.7), dbSNP rs867754177, ClinGen allele CA323593926.

ClinVar aggregate classification (germline): Conflicting classifications of pathogenicity. Review status: criteria provided, conflicting classifications (1 of 4 stars). 2 submissions from 2 submitters: Uncertain significance (1); Likely benign (1). Last evaluated 2026-05-01.

Allele frequency attached by ClinVar (database versions not stated): gnomAD exomes 0.00001.
gnomAD v4.1: 16 of 1,611,512 alleles (0.00099%); highest among the groups gnomAD compares: Admixed American, 0.0017%; no homozygotes.

Submissions (2):

CeGaT Center for Human Genetics Tuebingen
Classification: Likely benign. Last evaluated: 2026-05-01. Review status: criteria provided, single submitter. Criteria: CeGaT Center For Human Genetics Tuebingen Variant Classification Criteria Version 2. Collection method: clinical testing. Allele origin: germline. Affected: yes. Observed: 1 variant allele.
Comment: MYH9: BP4

Labcorp Genetics (formerly Invitae), Labcorp
Classification: Uncertain significance. Last evaluated: 2024-08-06. Review status: criteria provided, single submitter. Criteria: Invitae Variant Classification Sherloc (09022015). Collection method: clinical testing. Allele origin: germline.
Comment: This sequence change falls in intron 26 of the MYH9 gene. It does not directly change the encoded amino acid sequence of the MYH9 protein. It affects a nucleotide within the consensus splice site. This variant is not present in population databases (gnomAD no frequency). This variant has not been reported in the literature in individuals affected with MYH9-related conditions. ClinVar contains an entry for this variant (Variation ID: 1928181). Variants that disrupt the consensus splice site are a relatively common cause of aberrant splicing (PMID: 17576681, 9536098). Algorithms developed to predict the effect of sequence changes on RNA splicing suggest that this variant is not likely to affect RNA splicing. In summary, the available evidence is currently insufficient to determine the role of this variant in disease. Therefore, it has been classified as a Variant of Uncertain Significance.

Literature cited by the submitters: PubMed 17576681 (cited by Labcorp Genetics (formerly Invitae), Labcorp); PubMed 9536098 (cited by Labcorp Genetics (formerly Invitae), Labcorp).